The following is an entry in ClinVar:

ClinVar aggregate classification (germline): Uncertain significance. Review status: criteria provided, multiple submitters, no conflicts (2 of 4 stars). 2 submissions from 2 submitters: Uncertain significance (2). Last evaluated 2026-08-01.

Conditions:
Epileptic encephalopathy. Identifiers: MedGen C0543888, HP:0200134.

Allele frequency attached by ClinVar (database versions not stated): gnomAD exomes 0.00002 and 0.00001; TOPMed 0.00002; ExAC 0.00003; gnomAD 0.00001.
gnomAD v4.1: 16 of 1,613,878 alleles (0.00099%); highest among the groups gnomAD compares: Middle Eastern, 0.016%; no homozygotes.

Submissions (2):

CeGaT Center for Human Genetics Tuebingen
Classification: Uncertain significance. Last evaluated: 2026-08-01. Review status: criteria provided, single submitter. Criteria: CeGaT Center For Human Genetics Tuebingen Variant Classification Criteria Version 2. Collection method: clinical testing. Allele origin: germline. Affected: yes. Observed: 1 variant allele.
Comment: RYR3: PM2

Labcorp Genetics (formerly Invitae), Labcorp
Classification: Uncertain significance for Epileptic encephalopathy. Last evaluated: 2019-09-20. Review status: criteria provided, single submitter. Criteria: Invitae Variant Classification Sherloc (09022015). Collection method: clinical testing. Allele origin: germline.
Comment: Algorithms developed to predict the effect of missense changes on protein structure and function are either unavailable or do not agree on the potential impact of this missense change (SIFT: "Deleterious"; PolyPhen-2: "Benign"; Align-GVGD: "Class C0"). This variant has not been reported in the literature in individuals with RYR3-related conditions. This variant is present in population databases (rs781033822, ExAC 0.02%). This sequence change replaces glutamic acid with valine at codon 4113 of the RYR3 protein (p.Glu4113Val). The glutamic acid residue is highly conserved and there is a moderate physicochemical difference between glutamic acid and valine. In summary, the available evidence is currently insufficient to determine the role of this variant in disease. Therefore, it has been classified as a Variant of Uncertain Significance.

NM_001036.6(RYR3):c.12338A>T (p.Glu4113Val)

Gene: RYR3 (ryanodine receptor 3; plus strand). Cytogenetic location: 15q14.
Variant type: single nucleotide variant.
Coding change: c.12338A>T on transcript NM_001036.6 (MANE Select); coding-DNA position 12338, A replaced by T.
Protein change: p.Glu4113Val; replaces glutamic acid 4113 with valine.
Molecular consequence: missense variant.
Genome position (GRCh38, 1-based): chr15:33,838,318, A>T. VCF-style: chr15-33838318-A-T. GRCh37 (hg19) VCF-style: chr15-34130519-A-T.
Other names: c.12323A>T, p.Glu4108Val (NM_001243996.4); short protein forms E4113V, E4108V.
Identifiers: ClinVar variation 943248 (VCV000943248.10), dbSNP rs781033822, ClinGen allele CA7461384.